The following is an entry in ClinVar:

NM_001162501.2(TNRC6B):c.3951G>T (p.Val1317=)

Gene: TNRC6B (trinucleotide repeat containing adaptor 6B; plus strand). Cytogenetic location: 22q13.1.
Variant type: single nucleotide variant.
Coding change: c.3951G>T on transcript NM_001162501.2 (MANE Select); coding-DNA position 3951, G replaced by T.
Protein change: p.Val1317=; no amino-acid change (valine 1317 retained).
Molecular consequence: synonymous variant.
Genome position (GRCh38, 1-based): chr22:40,301,164, G>T. VCF-style: chr22-40301164-G-T. GRCh37 (hg19) VCF-style: chr22-40697168-G-T.
Other names: c.1539G>T, p.Val513= (NM_001024843.2); c.3621G>T, p.Val1207= (NM_015088.3).
Identifiers: ClinVar variation 4873693 (VCV004873693.2).

ClinVar aggregate classification (germline): Likely benign (1 of 4 stars; one submission).

gnomAD v4.1: 25 of 1,546,138 alleles (0.0016%); highest among the groups gnomAD compares: Admixed American, 0.0059%; no homozygotes.

Submission:

CeGaT Center for Human Genetics Tuebingen
Classification: Likely benign. Last evaluated: 2026-04-01. Review status: criteria provided, single submitter. Criteria: CeGaT Center For Human Genetics Tuebingen Variant Classification Criteria Version 2. Collection method: clinical testing. Allele origin: germline. Affected: yes. Observed: 1 variant allele.
Comment: TNRC6B: BP4